The following is an entry in ClinVar:

NM_000350.3(ABCA4):c.5264C>T (p.Thr1755Ile)

Gene: ABCA4 (ATP binding cassette subfamily A member 4; minus strand). Cytogenetic location: 1p22.1.
Variant type: single nucleotide variant.
Coding change: c.5264C>T on transcript NM_000350.3 (MANE Select); coding-DNA position 5264, C replaced by T.
Protein change: p.Thr1755Ile; replaces threonine 1755 with isoleucine.
Molecular consequence: missense variant.
Genome position (GRCh38, 1-based): chr1:94,015,787, G>A on the plus strand (C>T on the coding strand, the complement: ABCA4 is on the minus strand). VCF-style: chr1-94015787-G-A. GRCh37 (hg19) VCF-style: chr1-94481343-G-A.
Other names: c.5042C>T, p.Thr1681Ile (NM_001425324.1); short protein forms T1755I, T1681I.
Identifiers: ClinVar variation 1935771 (VCV001935771.5), dbSNP rs1659718826, ClinGen allele CA341281637.

ClinVar aggregate classification (germline): Uncertain significance (1 of 4 stars; one submission).

Submission:

Labcorp Genetics (formerly Invitae), Labcorp
Classification: Uncertain significance. Last evaluated: 2023-08-10. Review status: criteria provided, single submitter. Criteria: Invitae Variant Classification Sherloc (09022015). Collection method: clinical testing. Allele origin: germline.
Comment: This sequence change replaces threonine, which is neutral and polar, with isoleucine, which is neutral and non-polar, at codon 1755 of the ABCA4 protein (p.Thr1755Ile). This variant is not present in population databases (gnomAD no frequency). This variant has not been reported in the literature in individuals affected with ABCA4-related conditions. ClinVar contains an entry for this variant (Variation ID: 1935771). Advanced modeling of protein sequence and biophysical properties (such as structural, functional, and spatial information, amino acid conservation, physicochemical variation, residue mobility, and thermodynamic stability) has been performed at Invitae for this missense variant, however the output from this modeling did not meet the statistical confidence thresholds required to predict the impact of this variant on ABCA4 protein function. In summary, the available evidence is currently insufficient to determine the role of this variant in disease. Therefore, it has been classified as a Variant of Uncertain Significance.